The following is an entry in ClinVar:

NM_145239.3(PRRT2):c.215_216del (p.Thr72fs)

Genes: MVP-DT (MVP divergent transcript; minus strand), PRRT2 (proline rich transmembrane protein 2; plus strand). Cytogenetic location: 16p11.2.
Variant type: Microsatellite.
Coding change: c.215_216del on transcript NM_145239.3 (MANE Select); coding-DNA positions 215 to 216, 2 bases deleted (CA; older notation c.215_216delCA).
Protein change: p.Thr72fs; shifts the reading frame from threonine 72.
Molecular consequence: frameshift variant.
Genome position (GRCh38, 1-based): chr16:29,813,269-29,813,270, CA deleted; deleting any 2 consecutive bases within chr16:29,813,267-29,813,270 gives the same sequence; the c. name uses the placement nearest the transcript's 3' end. VCF-style (leftmost placement, unchanged base first): chr16-29813266-CCA-C. GRCh37 (hg19) VCF-style: chr16-29824587-CCA-C.
Other names: c.215_216del, p.Thr72fs (NM_001256442.2, NM_001256443.2); short protein forms T72fs.
Identifiers: ClinVar variation 206699 (VCV000206699.1), dbSNP rs796052943, ClinGen allele CA317050.
Genomic context (GRCh38, chr16:29,813,266, plus strand): 5'-GTCCAAACACCACTGCGGCCCCTGTGGACTCAGGGCCCAAGGCTGGGCTGGCTCCAGAAA[CCA>C]CAGAGACCCCGGCTGGGGCCTCAGAAACAGCCCAGGCCACAGACCTCAGCTTAAGCCCAG-3'

ClinVar aggregate classification (germline): Pathogenic (1 of 4 stars; one submission).

Submission:

GeneDx
Classification: Pathogenic. Last evaluated: 2014-10-06. Review status: criteria provided, single submitter. Criteria: GeneDx Variant Classification (06012015). Collection method: clinical testing. Allele origin: germline. Affected: yes.
Comment: c.215_216delCA: p.Thr72ArgfsX61 (T72RfsX61) in exon 2 of the PRRT2 gene (NM_145239.2) The normal sequence with the bases that are deleted in braces is: ACCA{CA}GAGAThe variant is found in EPILEPSY panel(s). The c.215_216delCA mutation in the PRRT2 gene causes a frameshift starting with codon Threonine 72, changes this amino acid to an Arginine residue and creates a premature Stop codon at position 61 of the new reading frame, denoted p.Thr72ArgfsX61. This mutation is predicted to cause loss of normal protein function either through protein truncation or nonsense-mediated mRNA decay. Although this mutation has not been previously reported to our knowledge, other frameshift mutations in the PRRT2 gene have been reported in association with PRRT2-related disorders. The variant is found in EPILEPSY panel(s).